The following is an entry in ClinVar:

ClinVar aggregate classification (germline): Uncertain significance. Review status: criteria provided, multiple submitters, no conflicts (2 of 4 stars). 2 submissions from 2 submitters: Uncertain significance (2). Last evaluated 2025-10-16.

Conditions:
Colorectal cancer, hereditary nonpolyposis, type 7. Identifiers: Orphanet 144, MedGen C1858380, MONDO:0013725, OMIM 614385.

Allele frequency attached by ClinVar (database versions not stated): gnomAD exomes below 0.00001.
gnomAD v4.1: 5 of 1,600,232 alleles (0.00031%); highest among the groups gnomAD compares: South Asian, 0.0022%; no homozygotes.

Submissions (2):

Ambry Genetics
Classification: Uncertain significance. Last evaluated: 2025-10-16. Review status: criteria provided, single submitter. Criteria: Ambry Variant Classification Scheme 2023. Collection method: clinical testing. Allele origin: germline.
Comment: The p.V1170I variant (also known as c.3508G>A), located in coding exon 4 of the MLH3 gene, results from a G to A substitution at nucleotide position 3508. The valine at codon 1170 is replaced by isoleucine, an amino acid with highly similar properties. This amino acid position is conserved. In addition, the in silico prediction for this alteration is inconclusive. Since supporting evidence is limited at this time, the clinical significance of this alteration remains unclear.

Labcorp Genetics (formerly Invitae), Labcorp
Classification: Uncertain significance for Colorectal cancer, hereditary nonpolyposis, type 7. Last evaluated: 2020-11-11. Review status: criteria provided, single submitter. Criteria: Invitae Variant Classification Sherloc (09022015). Collection method: clinical testing. Allele origin: germline.
Comment: In summary, the available evidence is currently insufficient to determine the role of this variant in disease. Therefore, it has been classified as a Variant of Uncertain Significance. This sequence change replaces valine with isoleucine at codon 1170 of the MLH3 protein (p.Val1170Ile). The valine residue is highly conserved and there is a small physicochemical difference between valine and isoleucine. This variant is not present in population databases (ExAC no frequency). This variant has not been reported in the literature in individuals with MLH3-related conditions. Algorithms developed to predict the effect of missense changes on protein structure and function are either unavailable or do not agree on the potential impact of this missense change (SIFT: "Deleterious"; PolyPhen-2: "Probably Damaging"; Align-GVGD: "Class C0").

NM_001040108.2(MLH3):c.3508G>A (p.Val1170Ile)

Gene: MLH3 (mutL homolog 3; minus strand). Cytogenetic location: 14q24.3.
Variant type: single nucleotide variant.
Coding change: c.3508G>A on transcript NM_001040108.2 (MANE Select); coding-DNA position 3508, G replaced by A.
Protein change: p.Val1170Ile; replaces valine 1170 with isoleucine.
Molecular consequence: missense variant.
Genome position (GRCh38, 1-based): chr14:75,039,973, C>T on the plus strand (G>A on the coding strand, the complement: MLH3 is on the minus strand). VCF-style: chr14-75039973-C-T. GRCh37 (hg19) VCF-style: chr14-75506676-C-T.
Other names: c.3508G>A, p.Val1170Ile (NM_014381.3); short protein forms V1170I.
Identifiers: ClinVar variation 1484147 (VCV001484147.11), dbSNP rs2139474091, ClinGen allele CA390428860.